The following is an entry in ClinVar:

ClinVar aggregate classification (germline): Uncertain significance. Review status: criteria provided, multiple submitters, no conflicts (2 of 4 stars). 2 submissions from 2 submitters: Uncertain significance (2). Last evaluated 2022-09-28.

Conditions:
Cardiovascular phenotype. Identifiers: MedGen CN230736.

Allele frequency attached by ClinVar (database versions not stated): gnomAD 0.00001; gnomAD exomes 0.00001; TOPMed 0.00001.
gnomAD v4.1: 16 of 1,548,294 alleles (0.001%); highest among the groups gnomAD compares: Middle Eastern, 0.017%; no homozygotes.

Submissions (2):

Ambry Genetics
Classification: Uncertain significance for Cardiovascular phenotype. Last evaluated: 2022-09-28. Review status: criteria provided, single submitter. Criteria: Ambry Variant Classification Scheme 2023. Collection method: clinical testing. Allele origin: germline.
Comment: The p.P2857S variant (also known as c.8569C>T), located in coding exon 2 of the ZNF469 gene, results from a C to T substitution at nucleotide position 8569. The proline at codon 2857 is replaced by serine, an amino acid with similar properties. This amino acid position is conserved. In addition, this alteration is predicted to be tolerated by in silico analysis. Since supporting evidence is limited at this time, the clinical significance of this alteration remains unclear.

Labcorp Genetics (formerly Invitae), Labcorp
Classification: Uncertain significance. Last evaluated: 2021-09-19. Review status: criteria provided, single submitter. Criteria: Invitae Variant Classification Sherloc (09022015). Collection method: clinical testing. Allele origin: germline.
Comment: This sequence change replaces proline with serine at codon 2857 of the ZNF469 protein (p.Pro2857Ser). The proline residue is moderately conserved and there is a moderate physicochemical difference between proline and serine. This variant is not present in population databases (ExAC no frequency). This variant has not been reported in the literature in individuals affected with ZNF469-related conditions. Algorithms developed to predict the effect of missense changes on protein structure and function output the following: SIFT: "Tolerated"; PolyPhen-2: "Possibly Damaging"; Align-GVGD: "Class C0". The serine amino acid residue is found in multiple mammalian species, which suggests that this missense change does not adversely affect protein function. In summary, the available evidence is currently insufficient to determine the role of this variant in disease. Therefore, it has been classified as a Variant of Uncertain Significance.

NM_001367624.2(ZNF469):c.8653C>T (p.Pro2885Ser)

Gene: ZNF469 (zinc finger protein 469; plus strand). Cytogenetic location: 16q24.2.
Variant type: single nucleotide variant.
Coding change: c.8653C>T on transcript NM_001367624.2 (MANE Select); coding-DNA position 8653, C replaced by T.
Protein change: p.Pro2885Ser; replaces proline 2885 with serine.
Molecular consequence: missense variant.
Genome position (GRCh38, 1-based): chr16:88,436,123, C>T. VCF-style: chr16-88436123-C-T. GRCh37 (hg19) VCF-style: chr16-88502531-C-T.
Other names: NM_001127464.1:c.8569C>T; short protein forms P2885S.
Identifiers: ClinVar variation 1460890 (VCV001460890.5), dbSNP rs1324192956, ClinGen allele CA397119021.
Genomic context (GRCh38, chr16:88,436,123, plus strand): 5'-CCAGGCGGTCGCTTGACTAGAAAGAGGAACCCGCATGTCTACGGGAAGCGCTGTGAGAAG[C>T]CGGTGCTCCCGCTGCCAACCCAGCCCAGCTTTGAGGAGGGCGGTGACCCCACGCTGGGCC-3'
Protein context (NP_001354553.1, residues 2875-2895): PHVYGKRCEK[Pro2885Ser]VLPLPTQPSF